The following is an entry in ClinVar:

NM_001323289.2(CDKL5):c.1324C>T (p.Gln442Ter)

Gene: CDKL5 (cyclin dependent kinase like 5; plus strand). Cytogenetic location: Xp22.13.
Variant type: single nucleotide variant.
Coding change: c.1324C>T on transcript NM_001323289.2 (MANE Select); coding-DNA position 1324, C replaced by T.
Protein change: p.Gln442Ter; replaces glutamine 442 with a stop codon.
Molecular consequence: nonsense.
Genome position (GRCh38, 1-based): chrX:18,604,248, C>T. VCF-style: chrX-18604248-C-T. GRCh37 (hg19) VCF-style: chrX-18622368-C-T.
Other names: p.Q442*:CAG>TAG; c.1324C>T, p.Gln442Ter (NM_001037343.2, NM_003159.3); short protein forms Q442*.
Identifiers: ClinVar variation 156682 (VCV000156682.2), dbSNP rs587783151, ClinGen allele CA294749.
Genomic context (GRCh38, chrX:18,604,248, plus strand): 5'-GACCCAAAGCCTTCAGAAGGCCCAGGGACAAAGTACCTCAAGTCAAACAGCAGATCTCAG[C>T]AGAACCGCCACTCATTCATGGAAAGCTCTCAAAGCAAAGCTGGGACACTGCAGCCCAATG-3'

ClinVar aggregate classification (germline): Pathogenic (1 of 4 stars; one submission).

Submission:

GeneDx
Classification: Pathogenic. Last evaluated: 2018-08-21. Review status: criteria provided, single submitter. Criteria: GeneDx Variant Classification (06012015). Collection method: clinical testing. Allele origin: germline. Affected: yes.
Comment: The Gln442Stop nonsense mutation in the CDKL5 gene is predicted to cause loss of normal protein function either through protein truncation or nonsense-mediated mRNA decay. The variant is found in EPILEPSY panel(s).